The following is an entry in ClinVar:

NM_000059.4(BRCA2):c.475+4T>A

Gene: BRCA2 (BRCA2 DNA repair associated; plus strand). Cytogenetic location: 13q13.1.
Variant type: single nucleotide variant.
Coding change: c.475+4T>A on transcript NM_000059.4 (MANE Select); 4 bases into the intron after coding-DNA position 475, T replaced by A.
Molecular consequence: intron variant.
Genome position (GRCh38, 1-based): chr13:32,326,154, T>A. VCF-style: chr13-32326154-T-A. GRCh37 (hg19) VCF-style: chr13-32900291-T-A.
Identifiers: ClinVar variation 1010580 (VCV001010580.9), dbSNP rs746963311, ClinGen allele CA2082750390.

ClinVar aggregate classification (germline): Uncertain significance (1 of 4 stars; one submission).

Conditions:
Hereditary breast ovarian cancer syndrome. Also called: BRCA1- and BRCA2-Associated Hereditary Breast and Ovarian Cancer; Hereditary breast and ovarian cancer; Hereditary breast and ovarian cancer syndrome; Breast and ovarian cancer; Hereditary breast and/or ovarian cancer syndrome; Hereditary breast and ovarian cancer syndrome (HBOC). Identifiers: Orphanet 145, MedGen C0677776, MeSH D061325, MONDO:0003582. Disease mechanism: loss of function.

Submission:

Labcorp Genetics (formerly Invitae), Labcorp
Classification: Uncertain significance for Hereditary breast ovarian cancer syndrome. Last evaluated: 2022-09-06. Review status: criteria provided, single submitter. Criteria: Invitae Variant Classification Sherloc (09022015). Collection method: clinical testing. Allele origin: germline.
Comment: This sequence change falls in intron 5 of the BRCA2 gene. It does not directly change the encoded amino acid sequence of the BRCA2 protein. It affects a nucleotide within the consensus splice site. This variant is not present in population databases (gnomAD no frequency). This variant has not been reported in the literature in individuals affected with BRCA2-related conditions. ClinVar contains an entry for this variant (Variation ID: 1010580). Variants that disrupt the consensus splice site are a relatively common cause of aberrant splicing (PMID: 17576681, 9536098). Algorithms developed to predict the effect of sequence changes on RNA splicing suggest that this variant is not likely to affect RNA splicing. In summary, the available evidence is currently insufficient to determine the role of this variant in disease. Therefore, it has been classified as a Variant of Uncertain Significance.

Literature cited by the submitters: PubMed 17576681; PubMed 9536098.